The following is an entry in ClinVar:

ClinVar aggregate classification (germline): Benign/Likely benign. Review status: criteria provided, multiple submitters, no conflicts (2 of 4 stars). 10 submissions from 10 submitters: Benign (7); Likely benign (1). 2 of the submissions do not count toward it. Last evaluated 2026-02-04.

Conditions:
Primary ciliary dyskinesia. Also called: Ciliary dyskinesia. Identifiers: Orphanet 244, MedGen C0008780, MONDO:0016575, HP:0012265.
Primary ciliary dyskinesia 7. Also called: CILIARY DYSKINESIA, PRIMARY, 7, WITH OR WITHOUT SITUS INVERSUS. Identifiers: Orphanet 244, MedGen C2678473, MONDO:0012748, OMIM 611884.

Allele frequency attached by ClinVar (database versions not stated): gnomAD exomes 0.41800 and 0.42802; ESP Exome Variant Server 0.43460; ExAC 0.43478; gnomAD 0.44959 and 0.45337; TOPMed 0.45614; 1000 Genomes Project 30x 0.52873; 1000 Genomes Project 0.53035.
gnomAD v4.1: 680,479 of 1,613,416 alleles (42%); highest among the groups gnomAD compares: East Asian, 76%; 148,040 homozygotes.

Submissions (10):

Labcorp Genetics (formerly Invitae), Labcorp
Classification: Benign for Primary ciliary dyskinesia. Last evaluated: 2026-02-04. Review status: criteria provided, single submitter. Criteria: Invitae Variant Classification Sherloc (09022015). Collection method: clinical testing. Allele origin: germline.

Blueprint Genetics
Classification: Likely benign. Last evaluated: 2024-11-27. Review status: criteria provided, single submitter. Criteria: ACMG Guidelines, 2015. Collection method: clinical testing. Allele origin: germline.

Mayo Clinic Laboratories, Mayo Clinic
Classification: Benign. Last evaluated: 2022-04-26. Review status: criteria provided, single submitter. Criteria: ACMG Guidelines, 2015. Collection method: clinical testing. Allele origin: germline. Observed: 134 variant alleles.

Genome-Nilou Lab
Classification: Benign for Primary ciliary dyskinesia 7. Last evaluated: 2021-07-30. Review status: criteria provided, single submitter. Criteria: ACMG Guidelines, 2015. Collection method: clinical testing. Allele origin: germline. Affected: no.

GeneDx
Classification: Benign. Last evaluated: 2018-11-10. Review status: criteria provided, single submitter. Criteria: GeneDx Variant Classification Process June 2021. Collection method: clinical testing. Allele origin: germline. Affected: yes.

Eurofins Ntd Llc (ga)
Classification: Benign. Last evaluated: 2013-04-05. Review status: criteria provided, single submitter. Criteria: EGL Classification Definitions 2015. Collection method: clinical testing. Allele origin: germline. Observed: 10 variant alleles, 7 heterozygotes, 3 homozygotes.

Laboratory for Molecular Medicine, Mass General Brigham Personalized Medicine
Classification: Benign. Last evaluated: 2013-02-21. Review status: criteria provided, single submitter. Criteria: LMM Criteria. Collection method: clinical testing. Allele origin: germline. Observed: 69 variant alleles.
Comment: Ala818Ala in exon 14 of DNAH11: This variant is not expected to have clinical si gnificance because it does not alter an amino acid residue and is not located wi thin the splice consensus sequence. It has been identified in 48.2% (2040/4230) of African American chromosomes from a broad population by the NHLBI Exome Seque ncing Project (dbSNP rs4615458).

PreventionGenetics, part of Exact Sciences
Classification: Benign. Review status: criteria provided, single submitter. Criteria: ACMG Guidelines, 2015. Collection method: clinical testing. Allele origin: germline.

Clinical Genetics DNA and cytogenetics Diagnostics Lab, Erasmus MC, Erasmus Medical Center
Classification: Benign. Review status: no assertion criteria provided. Collection method: clinical testing. Allele origin: germline. Affected: yes. Study: VKGL Data-share Consensus. Not counted in ClinVar's aggregate classification.

Diagnostic Laboratory, Department of Genetics, University Medical Center Groningen
Classification: Benign. Review status: no assertion criteria provided. Collection method: clinical testing. Allele origin: germline. Affected: yes. Study: VKGL Data-share Consensus. Not counted in ClinVar's aggregate classification.

NM_001277115.2(DNAH11):c.2454A>G (p.Ala818=)

Gene: DNAH11 (dynein axonemal heavy chain 11; plus strand). Cytogenetic location: 7p15.3.
Variant type: single nucleotide variant.
Coding change: c.2454A>G on transcript NM_001277115.2 (MANE Select); coding-DNA position 2454, A replaced by G.
Protein change: p.Ala818=; no amino-acid change (alanine 818 retained).
Molecular consequence: synonymous variant.
Genome position (GRCh38, 1-based): chr7:21,591,364, A>G. VCF-style: chr7-21591364-A-G. GRCh37 (hg19) VCF-style: chr7-21630982-A-G.
Other names: p.Ala818=.
Identifiers: ClinVar variation 93684 (VCV000093684.33), dbSNP rs4615458, ClinGen allele CA147205.
Genomic context (GRCh38, chr7:21,591,364, plus strand): 5'-AGCCACAACGTGGCTGACATGGCAGGATGACTGCTGGGGCTACATCGAGAGGGTGAGGGC[A>G]GCCACGTCCGAGTTGGAGCACAGAGTTGAGCGCACACAGAAAAACGTGAAGGTGATCCAG-3'
Protein context (NP_001264044.1, residues 808-828): DCWGYIERVR[Ala818=]ATSELEHRVE